The following is an entry in ClinVar:

ClinVar aggregate classification (germline): Uncertain significance. Review status: criteria provided, multiple submitters, no conflicts (2 of 4 stars). 4 submissions from 4 submitters: Uncertain significance (4). Last evaluated 2026-03-19.

Conditions:
Cardiovascular phenotype. Identifiers: MedGen CN230736.
Familial thoracic aortic aneurysm and aortic dissection (TAAD). Also called: Thoracic aortic aneurysms and dissections. Identifiers: Orphanet 91387, MedGen C4707243, MONDO:0019625.

Allele frequency attached by ClinVar (database versions not stated): gnomAD exomes below 0.00001.
gnomAD v4.1: 3 of 1,614,050 alleles (0.00019%); highest among the groups gnomAD compares: Admixed American, 0.0017%; no homozygotes.

Submissions (4):

GeneDx
Classification: Uncertain significance. Last evaluated: 2026-03-19. Review status: criteria provided, single submitter. Criteria: GeneDx Variant Classification Process June 2021. Collection method: clinical testing. Allele origin: germline.
Comment: Not observed at significant frequency in large population cohorts (gnomAD); In silico analysis supports that this missense variant has a deleterious effect on protein structure/function; Has not been previously published as pathogenic or benign to our knowledge

Molecular Diagnostic Laboratory for Inherited Cardiovascular Disease, Montreal Heart Institute
Classification: Uncertain significance for Cardiovascular phenotype. Last evaluated: 2025-04-09. Review status: criteria provided, single submitter. Criteria: ACMG Guidelines, 2015. Collection method: clinical testing. Allele origin: germline. Affected: yes.
Comment: PM2

Ambry Genetics
Classification: Uncertain significance for Familial thoracic aortic aneurysm and aortic dissection. Last evaluated: 2020-03-26. Review status: criteria provided, single submitter. Criteria: Ambry Variant Classification Scheme 2023. Collection method: clinical testing. Allele origin: germline.
Comment: The p.K51E variant (also known as c.151A>G), located in coding exon 1 of the MYH11 gene, results from an A to G substitution at nucleotide position 151. The lysine at codon 51 is replaced by glutamic acid, an amino acid with similar properties. This amino acid position is highly conserved in available vertebrate species. In addition, the in silico prediction for this alteration is inconclusive. Since supporting evidence is limited at this time, the clinical significance of this alteration remains unclear.

Color Diagnostics, LLC DBA Color Health
Classification: Uncertain significance for Familial thoracic aortic aneurysm and aortic dissection. Last evaluated: 2019-11-27. Review status: criteria provided, single submitter. Criteria: ACMG Guidelines, 2015. Collection method: clinical testing. Allele origin: germline.
Comment: This missense variant replaces lysine with glutamic acid at codon 51 of the MYH11 protein. Computational prediction is inconclusive regarding the impact of this variant on protein structure and function (internally defined REVEL score threshold 0.5 < inconclusive < 0.7, PMID: 27666373). Splice site prediction tools suggest that this variant may not impact RNA splicing. To our knowledge, functional studies have not been performed for this variant. This variant has not been reported in individuals affected with cardiovascular disorders in the literature. This variant has not been identified in the general population by the Genome Aggregation Database (gnomAD). The available evidence is insufficient to determine the role of this variant in disease conclusively. Therefore, this variant is classified as a Variant of Uncertain Significance.

NM_002474.3(MYH11):c.151A>G (p.Lys51Glu)

Gene: MYH11 (myosin heavy chain 11; minus strand). Cytogenetic location: 16p13.11.
Variant type: single nucleotide variant.
Coding change: c.151A>G on transcript NM_002474.3 (MANE Select); coding-DNA position 151, A replaced by G.
Protein change: p.Lys51Glu; replaces lysine 51 with glutamic acid.
Molecular consequence: missense variant.
Genome position (GRCh38, 1-based): chr16:15,838,102, T>C on the plus strand (A>G on the coding strand, the complement: MYH11 is on the minus strand). VCF-style: chr16-15838102-T-C. GRCh37 (hg19) VCF-style: chr16-15931959-T-C.
Other names: c.151A>G, p.Lys51Glu (NM_001040113.2, NM_001040114.2, NM_022844.3); short protein forms K51E.
Identifiers: ClinVar variation 924699 (VCV000924699.7), dbSNP rs2043951986, ClinGen allele CA395198566.